The following is an entry in ClinVar:

NM_016507.4(CDK12):c.59C>T (p.Thr20Ile)

Genes: CDK12 (cyclin dependent kinase 12; plus strand), LOC126862553 (CDK7 strongly-dependent group 2 enhancer GRCh37_chr17:37618166-37619365; plus strand). Cytogenetic location: 17q12.
Variant type: single nucleotide variant.
Coding change: c.59C>T on transcript NM_016507.4 (MANE Select); coding-DNA position 59, C replaced by T.
Protein change: p.Thr20Ile; replaces threonine 20 with isoleucine.
Molecular consequence: missense variant.
Genome position (GRCh38, 1-based): chr17:39,462,130, C>T. VCF-style: chr17-39462130-C-T. GRCh37 (hg19) VCF-style: chr17-37618383-C-T.
Other names: c.59C>T, p.Thr20Ile (NM_015083.4); short protein forms T20I.
Identifiers: ClinVar variation 4651329 (VCV004651329.1).

ClinVar aggregate classification (germline): Uncertain significance (1 of 4 stars; one submission).

gnomAD v4.1: 12 of 1,614,052 alleles (0.00074%); highest among the groups gnomAD compares: Non-Finnish European, 0.00017%; no homozygotes.

Submission:

Ambry Genetics
Classification: Uncertain significance. Last evaluated: 2025-09-25. Review status: criteria provided, single submitter. Criteria: Ambry Variant Classification Scheme 2023. Collection method: clinical testing. Allele origin: germline.
Comment: The p.T20I variant (also known as c.59C>T), located in coding exon 1 of the CDK12 gene, results from a C to T substitution at nucleotide position 59. The threonine at codon 20 is replaced by isoleucine, an amino acid with similar properties. This amino acid position is conserved. In addition, this alteration is predicted to be tolerated by in silico analysis. Based on the available evidence, the clinical significance of this variant remains unclear.